The following is an entry in ClinVar:

ClinVar aggregate classification (germline): Pathogenic (1 of 4 stars; one submission).

Submission:

Labcorp Genetics (formerly Invitae), Labcorp
Classification: Pathogenic. Last evaluated: 2022-10-04. Review status: criteria provided, single submitter. Criteria: Invitae Variant Classification Sherloc (09022015). Collection method: clinical testing. Allele origin: germline.
Comment: This variant is a gross deletion of the genomic region encompassing exon(s) 9-12 of the ELP1 gene. This deletion is out-of-frame, and is expected to create a premature termination codon and result in an absent or disrupted protein product. Loss-of-function variants in ELP1 are known to be pathogenic (PMID: 18303054, 24173031). This variant has not been reported in the literature in individuals affected with ELP1-related conditions. For these reasons, this variant has been classified as Pathogenic.

Literature cited by the submitters: PubMed 18303054; PubMed 24173031.

NC_000009.11:g.(?_111673280)_(111679960_?)del

Gene: ELP1 (elongator acetyltransferase complex subunit 1; minus strand). Cytogenetic location: 9q31.3.
Variant type: Deletion.
Identifiers: ClinVar variation 1382186 (VCV001382186.4).